The following is an entry in ClinVar:

ClinVar aggregate classification (germline): Likely benign. Review status: criteria provided, multiple submitters, no conflicts (2 of 4 stars). 2 submissions from 2 submitters: Likely benign (2). Last evaluated 2025-12-17.

gnomAD v4.1: 21 of 1,614,110 alleles (0.0013%); highest among the groups gnomAD compares: African/African-American, 0.008%; no homozygotes.

Submissions (2):

Women's Health and Genetics/Laboratory Corporation of America, LabCorp
Classification: Likely benign. Last evaluated: 2025-12-17. Review status: criteria provided, single submitter. Criteria: LabCorp Variant Classification Summary - May 2015. Collection method: clinical testing. Allele origin: germline.
Comment: Variant summary: HNF1A c.1854C>T alters a conserved nucleotide resulting in a synonymous change. Consensus agreement among computation tools predict no significant impact on normal splicing. However, these predictions have yet to be confirmed by functional studies. The variant allele was found at a frequency of 4e-06 in 250950 control chromosomes. The available data on variant occurrences in the general population are insufficient to allow any conclusion about variant significance. To our knowledge, no occurrence of c.1854C>T in individuals affected with HNF1A-related conditions and no experimental evidence demonstrating its impact on protein function have been reported. No submitters have cited clinical-significance assessments for this variant to ClinVar. Based on the evidence outlined above, the variant was classified as likely benign.

Labcorp Genetics (formerly Invitae), Labcorp
Classification: Likely benign. Last evaluated: 2025-02-13. Review status: criteria provided, single submitter. Criteria: Invitae Variant Classification Sherloc (09022015). Collection method: clinical testing. Allele origin: germline.

NM_000545.8(HNF1A):c.1854C>T (p.Ile618=)

Genes: C12orf43 (chromosome 12 open reading frame 43; minus strand), HNF1A (HNF1 homeobox A; plus strand). Cytogenetic location: 12q24.31.
Variant type: single nucleotide variant.
Coding change: c.1854C>T on transcript NM_000545.8 (MANE Select); coding-DNA position 1854, C replaced by T.
Protein change: p.Ile618=; no amino-acid change (isoleucine 618 retained).
Molecular consequence: synonymous variant. On other transcripts: 3 prime UTR variant (3).
Genome position (GRCh38, 1-based): chr12:121,001,150, C>T. VCF-style: chr12-121001150-C-T. GRCh37 (hg19) VCF-style: chr12-121438953-C-T.
Other names: c.*3003G>A (NM_001286191.2, NM_001286196.2, NM_022895.3); c.1875C>T, p.Ile625= (NM_001306179.2); c.1662C>T, p.Ile554= (NM_001406915.1).
Identifiers: ClinVar variation 4688248 (VCV004688248.2).